The following is an entry in ClinVar:

NM_182961.4(SYNE1):c.15584T>G (p.Leu5195Arg)

Gene: SYNE1 (spectrin repeat containing nuclear envelope protein 1; minus strand). Cytogenetic location: 6q25.2.
Variant type: single nucleotide variant.
Coding change: c.15584T>G on transcript NM_182961.4 (MANE Select); coding-DNA position 15584, T replaced by G.
Protein change: p.Leu5195Arg; replaces leucine 5195 with arginine.
Molecular consequence: missense variant.
Genome position (GRCh38, 1-based): chr6:152,325,157, A>C on the plus strand (T>G on the coding strand, the complement: SYNE1 is on the minus strand). VCF-style: chr6-152325157-A-C. GRCh37 (hg19) VCF-style: chr6-152646292-A-C.
Other names: c.15371T>G, p.Leu5124Arg (NM_033071.5); short protein forms L5124R, L5195R.
Identifiers: ClinVar variation 1024695 (VCV001024695.8), dbSNP rs758161214, ClinGen allele CA4055744.

ClinVar aggregate classification (germline): Uncertain significance (1 of 4 stars; one submission).

Conditions:
Autosomal recessive ataxia, Beauce type. Also called: ATAXIA, RECESSIVE, OF BEAUCE; Spinocerebellar ataxia, autosomal recessive 8; SYNE1-Related Autosomal Recessive Cerebellar Ataxia; SYNE1 Deficiency. Identifiers: Orphanet 88644, MedGen C1853116, MONDO:0012549, OMIM 610743.
Emery-Dreifuss muscular dystrophy 4, autosomal dominant (EDMD4). Also called: EMERY-DREIFUSS MUSCULAR DYSTROPHY 4 WITH VARIABLE FEATURES. Identifiers: Orphanet 261, MedGen C2751807, MONDO:0013071, OMIM 612998.

Allele frequency attached by ClinVar (database versions not stated): gnomAD exomes below 0.00001 and 0.00001; TOPMed below 0.00001; ExAC 0.00001.
gnomAD v4.1: 10 of 1,614,208 alleles (0.00062%); highest among the groups gnomAD compares: Non-Finnish European, 0.00085%; no homozygotes.

Submission:

Labcorp Genetics (formerly Invitae), Labcorp
Classification: Uncertain significance for Emery-Dreifuss muscular dystrophy 4, autosomal dominant; Autosomal recessive ataxia, Beauce type. Last evaluated: 2024-11-04. Review status: criteria provided, single submitter. Criteria: Invitae Variant Classification Sherloc (09022015). Collection method: clinical testing. Allele origin: germline.
Comment: This sequence change replaces leucine, which is neutral and non-polar, with arginine, which is basic and polar, at codon 5124 of the SYNE1 protein (p.Leu5124Arg). This variant is present in population databases (rs758161214, gnomAD 0.0009%). This variant has not been reported in the literature in individuals affected with SYNE1-related conditions. ClinVar contains an entry for this variant (Variation ID: 1024695). An algorithm developed to predict the effect of missense changes on protein structure and function (PolyPhen-2) suggests that this variant is likely to be disruptive. In summary, the available evidence is currently insufficient to determine the role of this variant in disease. Therefore, it has been classified as a Variant of Uncertain Significance.